The following is an entry in ClinVar:

NM_006231.4(POLE):c.2821A>T (p.Ile941Phe)

Gene: POLE (DNA polymerase epsilon, catalytic subunit; minus strand). Cytogenetic location: 12q24.33.
Variant type: single nucleotide variant.
Coding change: c.2821A>T on transcript NM_006231.4 (MANE Select); coding-DNA position 2821, A replaced by T.
Protein change: p.Ile941Phe; replaces isoleucine 941 with phenylalanine.
Molecular consequence: missense variant.
Genome position (GRCh38, 1-based): chr12:132,661,570, T>A on the plus strand (A>T on the coding strand, the complement: POLE is on the minus strand). VCF-style: chr12-132661570-T-A. GRCh37 (hg19) VCF-style: chr12-133238156-T-A.
Other names: short protein forms I941F.
Identifiers: ClinVar variation 3781553 (VCV003781553.1).

ClinVar aggregate classification (germline): Uncertain significance (1 of 4 stars; one submission).

Conditions:
Hereditary cancer-predisposing syndrome. Also called: Neoplastic Syndromes, Hereditary; Hereditary Cancer Syndrome; Tumor predisposition; Hereditary neoplastic syndrome. Identifiers: Orphanet 140162, MedGen C0027672, MeSH D009386, MONDO:0015356.

Submission:

Ambry Genetics
Classification: Uncertain significance for Hereditary cancer-predisposing syndrome. Last evaluated: 2025-01-08. Review status: criteria provided, single submitter. Criteria: Ambry Variant Classification Scheme 2023. Collection method: clinical testing. Allele origin: germline.
Comment: The p.I941F variant (also known as c.2821A>T), located in coding exon 24 of the POLE gene, results from an A to T substitution at nucleotide position 2821. The isoleucine at codon 941 is replaced by phenylalanine, an amino acid with highly similar properties. This amino acid position is conserved. In addition, the in silico prediction for this alteration is inconclusive. Based on the available evidence, the clinical significance of this variant remains unclear.